The following is an entry in ClinVar:

NM_022168.4(IFIH1):c.2606A>G (p.Tyr869Cys)

Gene: IFIH1 (interferon induced with helicase C domain 1; minus strand). Cytogenetic location: 2q24.2.
Variant type: single nucleotide variant.
Coding change: c.2606A>G on transcript NM_022168.4 (MANE Select); coding-DNA position 2606, A replaced by G.
Protein change: p.Tyr869Cys; replaces tyrosine 869 with cysteine.
Molecular consequence: missense variant.
Genome position (GRCh38, 1-based): chr2:162,272,236, T>C on the plus strand (A>G on the coding strand, the complement: IFIH1 is on the minus strand). VCF-style: chr2-162272236-T-C. GRCh37 (hg19) VCF-style: chr2-163128746-T-C.
Other names: short protein forms Y869C.
Identifiers: ClinVar variation 1347975 (VCV001347975.6), dbSNP rs752986445, ClinGen allele CA1934134.

ClinVar aggregate classification (germline): Uncertain significance (1 of 4 stars; one submission).

Conditions:
Singleton-Merten syndrome 1 (SGMRT1). Also called: Widened medullary cavities of bone, aortic calcification, abnormal dentition, and muscular weakness; Syndrome of widened medullary cavities of the metacarpals and phalanges, aortic calcification and abnormal dentition. Identifiers: Orphanet 85191, MedGen C4225427, MONDO:0024535, OMIM 182250.
Aicardi-Goutieres syndrome 7 (AGS7). Identifiers: Orphanet 51, MedGen C3888244, MONDO:0014367, OMIM 615846.

Allele frequency attached by ClinVar (database versions not stated): gnomAD exomes below 0.00001 and 0.00001; ExAC 0.00001.
gnomAD v4.1: 2 of 1,611,386 alleles (0.00012%); highest among the groups gnomAD compares: Non-Finnish European, 0.00017%; no homozygotes.

Submission:

Labcorp Genetics (formerly Invitae), Labcorp
Classification: Uncertain significance for Aicardi-Goutieres syndrome 7; Singleton-Merten syndrome 1. Last evaluated: 2022-11-08. Review status: criteria provided, single submitter. Criteria: Invitae Variant Classification Sherloc (09022015). Collection method: clinical testing. Allele origin: germline.
Comment: In summary, the available evidence is currently insufficient to determine the role of this variant in disease. Therefore, it has been classified as a Variant of Uncertain Significance. Advanced modeling of protein sequence and biophysical properties (such as structural, functional, and spatial information, amino acid conservation, physicochemical variation, residue mobility, and thermodynamic stability) has been performed at Invitae for this missense variant, however the output from this modeling did not meet the statistical confidence thresholds required to predict the impact of this variant on IFIH1 protein function. ClinVar contains an entry for this variant (Variation ID: 1347975). This variant has not been reported in the literature in individuals affected with IFIH1-related conditions. This variant is present in population databases (rs752986445, gnomAD 0.003%). This sequence change replaces tyrosine, which is neutral and polar, with cysteine, which is neutral and slightly polar, at codon 869 of the IFIH1 protein (p.Tyr869Cys).